The following is an entry in ClinVar:

NM_000180.4(GUCY2D):c.1379-5T>C

Gene: GUCY2D (guanylate cyclase 2D, retinal; plus strand). Cytogenetic location: 17p13.1.
Variant type: single nucleotide variant.
Coding change: c.1379-5T>C on transcript NM_000180.4 (MANE Select); 5 bases into the intron before coding-DNA position 1379, T replaced by C.
Molecular consequence: intron variant.
Genome position (GRCh38, 1-based): chr17:8,007,055, T>C. VCF-style: chr17-8007055-T-C. GRCh37 (hg19) VCF-style: chr17-7910373-T-C.
Other names: c.1379-5T>C (NM_000180.3).
Identifiers: ClinVar variation 2927737 (VCV002927737.4), dbSNP rs778875311, ClinGen allele CA8365737.
Genomic context (GRCh38, chr17:8,007,055, plus strand): 5'-CTCCCTAGAGAAGAGGCCTCCCCTGGCATCGCTCCTCAGTATACCTCCTGTCACTGTCCC[T>C]TCAGGACTGGAGCCGGGCCTCGTCTTTCTTGGCTTCCTCCTGGTGGTTGGGATGGGGCTG-3'

ClinVar aggregate classification (germline): Likely benign. Review status: criteria provided, single submitter (1 of 4 stars). 2 submissions from 2 submitters: Likely benign (1). 1 of the submissions does not count toward it. Last evaluated 2023-03-23.

Conditions:
GUCY2D-related disorder. Also called: GUCY2D-related condition.
Leber congenital amaurosis 1 (LCA1). Also called: RETINAL BLINDNESS, CONGENITAL; Congenital absence of the rods and cones; Leber's congenital tapetoretinal degeneration; Leber's congenital tapetoretinal dysplasia; AMAUROSIS CONGENITA OF LEBER I. Identifiers: Orphanet 65, MedGen C2931258, MONDO:0008764, OMIM 204000.
Cone-rod dystrophy 6 (CORD6). Also called: RETINAL CONE DYSTROPHY 2; Cone dystrophy progressive. Identifiers: Orphanet 1872, MedGen C1866293, MONDO:0011143, OMIM 601777.

Allele frequency attached by ClinVar (database versions not stated): TOPMed below 0.00001; gnomAD exomes 0.00001; ExAC 0.00003.
gnomAD v4.1: 16 of 1,612,770 alleles (0.00099%); highest among the groups gnomAD compares: Non-Finnish European, 0.0013%; no homozygotes.

Submissions (2):

Labcorp Genetics (formerly Invitae), Labcorp
Classification: Likely benign for Leber congenital amaurosis 1; Cone-rod dystrophy 6. Last evaluated: 2023-03-23. Review status: criteria provided, single submitter. Criteria: Invitae Variant Classification Sherloc (09022015). Collection method: clinical testing. Allele origin: germline.

PreventionGenetics, part of Exact Sciences
Classification: Likely benign for GUCY2D-related condition. Last evaluated: 2024-06-21. Review status: no assertion criteria provided. Collection method: clinical testing. Allele origin: germline. Not counted in ClinVar's aggregate classification.
Comment: This variant is classified as likely benign based on ACMG/AMP sequence variant interpretation guidelines (Richards et al. 2015 PMID: 25741868, with internal and published modifications).